The following is an entry in ClinVar:

ClinVar aggregate classification (germline): Pathogenic (1 of 4 stars; one submission).

Conditions:
Metachromatic leukodystrophy (MLD). Also called: ARSA DEFICIENCY; CEREBROSIDE SULFATASE DEFICIENCY; METACHROMATIC LEUKOENCEPHALOPATHY; SULFATIDE LIPIDOSIS; Cerebral sclerosis diffuse metachromatic form; Arylsulfatase A Deficiency. Identifiers: Orphanet 512, MedGen C0023522, MONDO:0018868, OMIM 250100.

Submission:

Labcorp Genetics (formerly Invitae), Labcorp
Classification: Pathogenic for Metachromatic leukodystrophy. Last evaluated: 2023-08-22. Review status: criteria provided, single submitter. Criteria: Invitae Variant Classification Sherloc (09022015). Collection method: clinical testing. Allele origin: germline.
Comment: For these reasons, this variant has been classified as Pathogenic. Advanced modeling of protein sequence and biophysical properties (such as structural, functional, and spatial information, amino acid conservation, physicochemical variation, residue mobility, and thermodynamic stability) performed at Invitae indicates that this missense variant is expected to disrupt ARSA protein function. This variant is also known as c.371T>C (p.Leu124Pro). This missense change has been observed in individual(s) with metachromatic leukodystrophy (PMID: 27779215, 30057904). In at least one individual the data is consistent with being in trans (on the opposite chromosome) from a pathogenic variant. This variant is not present in population databases (gnomAD no frequency). This sequence change replaces leucine, which is neutral and non-polar, with proline, which is neutral and non-polar, at codon 210 of the ARSA protein (p.Leu210Pro).

Literature cited by the submitters: PubMed 27779215; PubMed 30057904.

NM_000487.6(ARSA):c.629T>C (p.Leu210Pro)

Gene: ARSA (arylsulfatase A; minus strand). Cytogenetic location: 22q13.33.
Variant type: single nucleotide variant.
Coding change: c.629T>C on transcript NM_000487.6 (MANE Select); coding-DNA position 629, T replaced by C.
Protein change: p.Leu210Pro; replaces leucine 210 with proline.
Molecular consequence: missense variant.
Genome position (GRCh38, 1-based): chr22:50,626,889, A>G on the plus strand (T>C on the coding strand, the complement: ARSA is on the minus strand). VCF-style: chr22-50626889-A-G. GRCh37 (hg19) VCF-style: chr22-51065317-A-G.
Other names: c.629T>C, p.Leu210Pro (NM_001085427.3, NM_001085425.3, NM_001085426.3); c.371T>C, p.Leu124Pro (NM_001085428.3, NM_001362782.2); short protein forms L124P, L210P.
Identifiers: ClinVar variation 2737067 (VCV002737067.3), dbSNP rs762593908, ClinGen allele CA412177219.